The following is an entry in ClinVar:

NM_001453.3(FOXC1):c.100_109del (p.Gly34fs)

Gene: FOXC1 (forkhead box C1; plus strand). Cytogenetic location: 6p25.3.
Variant type: Deletion.
Coding change: c.100_109del on transcript NM_001453.3 (MANE Select); coding-DNA positions 100 to 109, 10 bases deleted (GGGGGCGGCT; older notation c.100_109delGGGGGCGGCT).
Protein change: p.Gly34fs; shifts the reading frame from glycine 34.
Molecular consequence: frameshift variant.
Genome position (GRCh38, 1-based): chr6:1,610,545-1,610,554, GGGGGCGGCT deleted. VCF-style (leftmost placement, unchanged base first): chr6-1610544-CGGGGGCGGCT-C. GRCh37 (hg19) VCF-style: chr6-1610779-CGGGGGCGGCT-C.
Other names: short protein forms G34fs.
Identifiers: ClinVar variation 375420 (VCV000375420.3), dbSNP rs1057519471, ClinGen allele CA16044259.
Genomic context (GRCh38, chr6:1,610,544, plus strand): 5'-GGGAGTGGTGCCCTACCTCGGCGGCGAGCAGAGCTACTACCGCGCGGCGGCCGCGGCGGC[CGGGGGCGGCT>C]ACACCGCCATGCCGGCCCCCATGAGCGTGTACTCGCACCCTGCGCACGCCGAGCAGTACC-3'

ClinVar aggregate classification (germline): Pathogenic (0 of 4 stars; one submission).

Conditions:
Axenfeld-Rieger syndrome type 3 (RIEG3). Also called: AXENFELD-RIEGER ANOMALY WITH CARDIAC DEFECTS AND/OR SENSORINEURAL HEARING LOSS. Identifiers: Orphanet 782, MedGen C2678503, MONDO:0011233, OMIM 602482.

Submission:

Genetics and Molecular Pathology, SA Pathology
Classification: Pathogenic for Axenfeld-Rieger syndrome type 3. Last evaluated: 2015-02-08. Review status: no assertion criteria provided. Collection method: clinical testing. Allele origin: paternal. Inheritance: Autosomal dominant inheritance. Affected: yes. Observed: 2 variant alleles, 2 heterozygotes.
Comment: Frame-shift introducing premature terminating codon (PTC) effecting functional haploinufficiency; clinical significance consistent with FOXC1 PTC variants found upstream and down stream of this position - each regarded as pathogenic in published literature.